The following is an entry in ClinVar:

ClinVar aggregate classification (germline): Uncertain significance (1 of 4 stars; one submission).

Conditions:
Inborn genetic diseases. Identifiers: MedGen C0950123, MeSH D030342.

Allele frequency attached by ClinVar (database versions not stated): gnomAD exomes 0.00001; TOPMed 0.00001.
gnomAD v4.1: 9 of 1,613,744 alleles (0.00056%); highest among the groups gnomAD compares: Middle Eastern, 0.017%; no homozygotes.

Submission:

Ambry Genetics
Classification: Uncertain significance for Inborn genetic diseases. Last evaluated: 2020-10-14. Review status: criteria provided, single submitter. Criteria: Ambry Variant Classification Scheme 2023. Collection method: clinical testing. Allele origin: germline.
Comment: The c.294G>A (p.M98I) alteration is located in exon 4 (coding exon 4) of the PIGS gene. This alteration results from a G to A substitution at nucleotide position 294, causing the methionine (M) at amino acid position 98 to be replaced by an isoleucine (I). Based on data from the Genome Aggregation Database (gnomAD) database, the PIGS c.294G>A alteration was observed in <0.001% (1/251476) of total alleles studied, with a frequency of 0.003% (1/34592) in the Latino subpopulation. This amino acid position is well conserved in available vertebrate species. The p.M98I alteration is predicted to be tolerated by in silico analysis. Based on insufficient or conflicting evidence, the clinical significance of this alteration remains unclear.

NM_033198.4(PIGS):c.294G>A (p.Met98Ile)

Gene: PIGS (phosphatidylinositol glycan anchor biosynthesis class S; minus strand). Cytogenetic location: 17q11.2.
Variant type: single nucleotide variant.
Coding change: c.294G>A on transcript NM_033198.4 (MANE Select); coding-DNA position 294, G replaced by A.
Protein change: p.Met98Ile; replaces methionine 98 with isoleucine.
Molecular consequence: missense variant.
Genome position (GRCh38, 1-based): chr17:28,563,900, C>T on the plus strand (G>A on the coding strand, the complement: PIGS is on the minus strand). VCF-style: chr17-28563900-C-T. GRCh37 (hg19) VCF-style: chr17-26890918-C-T.
Other names: short protein forms M98I.
Identifiers: ClinVar variation 2345069 (VCV002345069.2), dbSNP rs960556912, ClinGen allele CA289115265.